The following is an entry in ClinVar:

ClinVar aggregate classification (germline): Likely benign. Review status: criteria provided, multiple submitters, no conflicts (2 of 4 stars). 3 submissions from 3 submitters: Likely benign (3). Last evaluated 2024-03-12.

Conditions:
Familial cancer of breast. Also called: BREAST CANCER, FAMILIAL; Hereditary breast cancer; hereditary breast carcinoma. Identifiers: Orphanet 227535, MedGen C0346153, MONDO:0016419, OMIM 114480. Disease mechanism: loss of function.
Hereditary cancer-predisposing syndrome. Also called: Neoplastic Syndromes, Hereditary; Hereditary Cancer Syndrome; Tumor predisposition; Hereditary neoplastic syndrome. Identifiers: Orphanet 140162, MedGen C0027672, MeSH D009386, MONDO:0015356.

Submissions (3):

Labcorp Genetics (formerly Invitae), Labcorp
Classification: Likely benign for Familial cancer of breast. Last evaluated: 2024-03-12. Review status: criteria provided, single submitter. Criteria: Invitae Variant Classification Sherloc (09022015). Collection method: clinical testing. Allele origin: germline.

Ambry Genetics
Classification: Likely benign for Hereditary cancer-predisposing syndrome. Last evaluated: 2019-08-27. Review status: criteria provided, single submitter. Criteria: Ambry Variant Classification Scheme 2023. Collection method: clinical testing. Allele origin: germline.

GeneDx
Classification: Likely benign. Last evaluated: 2016-12-13. Review status: criteria provided, single submitter. Criteria: GeneDx Variant Classification (06012015). Collection method: clinical testing. Allele origin: germline. Affected: yes.
Comment: This variant is considered likely benign or benign based on one or more of the following criteria: it is a conservative change, it occurs at a poorly conserved position in the protein, it is predicted to be benign by multiple in silico algorithms, and/or has population frequency not consistent with disease.

NM_024675.4(PALB2):c.2319T>G (p.Thr773=)

Gene: PALB2 (partner and localizer of BRCA2; minus strand). Cytogenetic location: 16p12.2.
Variant type: single nucleotide variant.
Coding change: c.2319T>G on transcript NM_024675.4 (MANE Select); coding-DNA position 2319, T replaced by G.
Protein change: p.Thr773=; no amino-acid change (threonine 773 retained).
Molecular consequence: synonymous variant.
Genome position (GRCh38, 1-based): chr16:23,629,835, A>C on the plus strand (T>G on the coding strand, the complement: PALB2 is on the minus strand). VCF-style: chr16-23629835-A-C. GRCh37 (hg19) VCF-style: chr16-23641156-A-C.
Identifiers: ClinVar variation 391941 (VCV000391941.8), dbSNP rs562168734, ClinGen allele CA16608113.